The following is an entry in ClinVar:

ClinVar aggregate classification (germline): Likely benign (0 of 4 stars; one submission).

Conditions:
HSD3B7-related disorder. Also called: HSD3B7-related condition.

Submission:

PreventionGenetics, part of Exact Sciences
Classification: Likely benign for HSD3B7-related condition. Last evaluated: 2021-04-17. Review status: no assertion criteria provided. Collection method: clinical testing. Allele origin: germline.
Comment: This variant is classified as likely benign based on ACMG/AMP sequence variant interpretation guidelines (Richards et al. 2015 PMID: 25741868, with internal and published modifications).

NM_025193.4(HSD3B7):c.942C>G (p.Leu314=)

Gene: HSD3B7 (hydroxy-delta-5-steroid dehydrogenase, 3 beta- and steroid delta-isomerase 7; plus strand). Cytogenetic location: 16p11.2.
Variant type: single nucleotide variant.
Coding change: c.942C>G on transcript NM_025193.4 (MANE Select); coding-DNA position 942, C replaced by G.
Protein change: p.Leu314=; no amino-acid change (leucine 314 retained).
Molecular consequence: synonymous variant. On other transcripts: 3 prime UTR variant (2).
Genome position (GRCh38, 1-based): chr16:30,988,015, C>G. VCF-style: chr16-30988015-C-G. GRCh37 (hg19) VCF-style: chr16-30999336-C-G.
Other names: c.*188C>G (NM_001142777.2, NM_001142778.2).
Identifiers: ClinVar variation 3030242 (VCV003030242.2), dbSNP rs2056511683, ClinGen allele CA494921077.